The following is an entry in ClinVar:

ClinVar aggregate classification (germline): Benign/Likely benign. Review status: criteria provided, multiple submitters, no conflicts (2 of 4 stars). 3 submissions from 3 submitters: Benign (1); Likely benign (2). Last evaluated 2025-07-03.

Conditions:
Familial thoracic aortic aneurysm and aortic dissection (TAAD). Also called: Thoracic aortic aneurysms and dissections. Identifiers: Orphanet 91387, MedGen C4707243, MONDO:0019625.
Ehlers-Danlos syndrome, type 4 (EDSVASC). Also called: Ehlers-Danlos Syndrome Type IV; Ehlers-Danlos syndrome vascular type; Ehlers Danlos syndrome, ecchymotic type; Ehlers Danlos syndrome, arterial type; Ehlers Danlos syndrome, Sack-Barabas type. Identifiers: Orphanet 286, MedGen C0268338, MONDO:0017314, OMIM 130050.

Submissions (3):

Color Diagnostics, LLC DBA Color Health
Classification: Likely benign for Familial thoracic aortic aneurysm and aortic dissection. Last evaluated: 2025-07-03. Review status: criteria provided, single submitter. Criteria: ACMG Guidelines, 2015. Collection method: clinical testing. Allele origin: germline.

Labcorp Genetics (formerly Invitae), Labcorp
Classification: Benign for Ehlers-Danlos syndrome, type 4. Last evaluated: 2024-08-20. Review status: criteria provided, single submitter. Criteria: Invitae Variant Classification Sherloc (09022015). Collection method: clinical testing. Allele origin: germline.

GeneDx
Classification: Likely benign. Last evaluated: 2016-10-26. Review status: criteria provided, single submitter. Criteria: GeneDx Variant Classification (06012015). Collection method: clinical testing. Allele origin: germline. Affected: yes.
Comment: This variant is considered likely benign or benign based on one or more of the following criteria: it is a conservative change, it occurs at a poorly conserved position in the protein, it is predicted to be benign by multiple in silico algorithms, and/or has population frequency not consistent with disease.

NM_000090.4(COL3A1):c.80-4del

Gene: COL3A1 (collagen type III alpha 1 chain; plus strand). Cytogenetic location: 2q32.2.
Variant type: Deletion.
Coding change: c.80-4del on transcript NM_000090.4 (MANE Select); 4 bases into the intron before coding-DNA position 80, one base deleted (T; older notation c.80-4delT).
Molecular consequence: intron variant.
Genome position (GRCh38, 1-based): chr2:188,984,756, T deleted; the last of 5 consecutive T bases (chr2:188,984,752-188,984,756); deleting any one gives the same sequence. VCF-style (leftmost placement, unchanged base first): chr2-188984751-GT-G. GRCh37 (hg19) VCF-style: chr2-189849477-GT-G.
Other names: c.80-4delT (NM_000090.3).
Identifiers: ClinVar variation 422573 (VCV000422573.4), dbSNP rs1064795869, ClinGen allele CA16617387.